The following is an entry in ClinVar:

ClinVar aggregate classification (germline): Conflicting classifications of pathogenicity. Review status: criteria provided, conflicting classifications (1 of 4 stars). 9 submissions from 9 submitters: Uncertain significance (3); Likely benign (5). 1 of the submissions does not count toward it. Last evaluated 2026-06-01.

Conditions:
Inborn genetic diseases. Identifiers: MedGen C0950123, MeSH D030342.
Landau-Kleffner syndrome (FESD). Also called: APHASIA, ACQUIRED, WITH EPILEPSY; EPILEPSY, FOCAL, WITH SPEECH DISORDER AND WITH OR WITHOUT MENTAL RETARDATION. Identifiers: Orphanet 1945, Orphanet 725, Orphanet 98818, MedGen C0282512, MONDO:0009509, OMIM 245570.

Allele frequency attached by ClinVar (database versions not stated): gnomAD 0.00003 and 0.00005; TOPMed 0.00007; gnomAD exomes 0.00008 and 0.00014; ExAC 0.00013; 1000 Genomes Project 30x 0.00016; 1000 Genomes Project 0.00020.
gnomAD v4.1: 128 of 1,614,110 alleles (0.0079%); highest among the groups gnomAD compares: Middle Eastern, 0.13%; no homozygotes.

Submissions (9):

CeGaT Center for Human Genetics Tuebingen
Classification: Likely benign. Last evaluated: 2026-06-01. Review status: criteria provided, single submitter. Criteria: CeGaT Center For Human Genetics Tuebingen Variant Classification Criteria Version 2. Collection method: clinical testing. Allele origin: germline. Affected: yes. Observed: 4 variant alleles.
Comment: GRIN2A: BS1

Labcorp Genetics (formerly Invitae), Labcorp
Classification: Likely benign for Landau-Kleffner syndrome. Last evaluated: 2026-01-26. Review status: criteria provided, single submitter. Criteria: Invitae Variant Classification Sherloc (09022015). Collection method: clinical testing. Allele origin: germline.

Women's Health and Genetics/Laboratory Corporation of America, LabCorp
Classification: Uncertain significance. Last evaluated: 2025-02-21. Review status: criteria provided, single submitter. Criteria: LabCorp Variant Classification Summary - May 2015. Collection method: clinical testing. Allele origin: germline.
Comment: Variant summary: GRIN2A c.3578T>G (p.Leu1193Trp) results in a non-conservative amino acid change in the encoded protein sequence. Three of five in-silico tools predict a damaging effect of the variant on protein function. The variant allele was found at a frequency of 7.9e-05 in 1614110 control chromosomes, predominantly at a frequency of 0.00021 within the South Asian subpopulation in the gnomAD database. c.3578T>G has been reported in the literature in at least an individual affected with GRIN2A-related conditions (Trifiletti_2022) This report however, does not provide unequivocal conclusions about association of the variant with epilepsy, focal, with speech disorder and with or without mental retardation. To our knowledge, no experimental evidence demonstrating an impact on protein function has been reported. The following publications have been ascertained in the context of this evaluation (PMID: 35773312, 28940898). ClinVar contains an entry for this variant (Variation ID: 205675). Based on the evidence outlined above, the variant was classified as VUS-possibly benign.

Blueprint Genetics
Classification: Likely benign. Last evaluated: 2024-08-22. Review status: criteria provided, single submitter. Criteria: ACMG Guidelines, 2015. Collection method: clinical testing. Allele origin: germline.

Genomic Medicine Center of Excellence, King Faisal Specialist Hospital and Research Centre
Classification: Uncertain significance for Landau-Kleffner syndrome. Last evaluated: 2024-03-25. Review status: criteria provided, single submitter. Criteria: ACMG Guidelines, 2015. Collection method: clinical testing. Allele origin: germline.

Ambry Genetics
Classification: Likely benign for Inborn genetic diseases. Last evaluated: 2021-08-02. Review status: criteria provided, single submitter. Criteria: Ambry Variant Classification Scheme 2023. Collection method: clinical testing. Allele origin: germline.

GeneDx
Classification: Likely benign. Last evaluated: 2020-02-24. Review status: criteria provided, single submitter. Criteria: GeneDx Variant Classification Process June 2021. Collection method: clinical testing. Allele origin: germline. Affected: yes.

Genetic Services Laboratory, University of Chicago
Classification: Uncertain significance. Last evaluated: 2015-07-28. Review status: criteria provided, single submitter. Criteria: ACMG Guidelines, 2015. Collection method: clinical testing. Allele origin: germline.

Zotz-Klimas Genetics Lab, MVZ Zotz Klimas
Classification: Uncertain significance for Landau-Kleffner syndrome. Last evaluated: 2023-11-02. Review status: no assertion criteria provided. Collection method: clinical testing. Allele origin: germline. Affected: yes. Not counted in ClinVar's aggregate classification.

Literature cited by the submitters: PubMed 28940898 (cited by Women's Health and Genetics/Laboratory Corporation of America, LabCorp); PubMed 35773312 (cited by Women's Health and Genetics/Laboratory Corporation of America, LabCorp).

NM_001134407.3(GRIN2A):c.3578T>G (p.Leu1193Trp)

Gene: GRIN2A (glutamate ionotropic receptor NMDA type subunit 2A; minus strand). Cytogenetic location: 16p13.2.
Variant type: single nucleotide variant.
Coding change: c.3578T>G on transcript NM_001134407.3 (MANE Select); coding-DNA position 3578, T replaced by G.
Protein change: p.Leu1193Trp; replaces leucine 1193 with tryptophan.
Molecular consequence: missense variant.
Genome position (GRCh38, 1-based): chr16:9,763,966, A>C on the plus strand (T>G on the coding strand, the complement: GRIN2A is on the minus strand). VCF-style: chr16-9763966-A-C. GRCh37 (hg19) VCF-style: chr16-9857823-A-C.
Other names: p.L1193W:TTG>TGG; c.3578T>G, p.Leu1193Trp (NM_000833.5, NM_001134408.2); short protein forms L1193W.
Identifiers: ClinVar variation 205675 (VCV000205675.66), dbSNP rs75761674, ClinGen allele CA314982.
Genomic context (GRCh38, chr16:9,763,966, plus strand): 5'-TGCGTGGAGTTCTGCCGGTATCGCTCGCTGGTCTCACTGTGCGGGGAACCCTTGTCTTTC[A>C]AGGTGAAGTGCTTGGAGTAGAGTTTATACTGGTCGTTGTTGGAAAGCCCCTCTTCATTAT-3'
Protein context (NP_001127879.1, residues 1183-1203): QYKLYSKHFT[Leu1193Trp]KDKGSPHSET